The following is an entry in ClinVar:

ClinVar aggregate classification (germline): Uncertain significance (1 of 4 stars; one submission).

gnomAD v4.1: 1 of 1,613,844 alleles (0.000062%); highest among the groups gnomAD compares: Non-Finnish European, 0.000085%; no homozygotes.

Submission:

Labcorp Genetics (formerly Invitae), Labcorp
Classification: Uncertain significance. Last evaluated: 2024-06-13. Review status: criteria provided, single submitter. Criteria: Invitae Variant Classification Sherloc (09022015). Collection method: clinical testing. Allele origin: germline.
Comment: This sequence change replaces threonine, which is neutral and polar, with alanine, which is neutral and non-polar, at codon 558 of the NRIP1 protein (p.Thr558Ala). This variant is present in population databases (rs753130989, gnomAD 0.0009%). This variant has not been reported in the literature in individuals affected with NRIP1-related conditions. Algorithms developed to predict the effect of missense changes on protein structure and function output the following: SIFT: "Not Available"; PolyPhen-2: "Benign"; Align-GVGD: "Not Available". The alanine amino acid residue is found in multiple mammalian species, which suggests that this missense change does not adversely affect protein function. In summary, the available evidence is currently insufficient to determine the role of this variant in disease. Therefore, it has been classified as a Variant of Uncertain Significance.

NM_003489.4(NRIP1):c.1672A>G (p.Thr558Ala)

Gene: NRIP1 (nuclear receptor interacting protein 1; minus strand). Cytogenetic location: 21q11.2.
Variant type: single nucleotide variant.
Coding change: c.1672A>G on transcript NM_003489.4 (MANE Select); coding-DNA position 1672, A replaced by G.
Protein change: p.Thr558Ala; replaces threonine 558 with alanine.
Molecular consequence: missense variant.
Genome position (GRCh38, 1-based): chr21:14,966,521, T>C on the plus strand (A>G on the coding strand, the complement: NRIP1 is on the minus strand). VCF-style: chr21-14966521-T-C. GRCh37 (hg19) VCF-style: chr21-16338842-T-C.
Other names: short protein forms T558A.
Identifiers: ClinVar variation 3728649 (VCV003728649.2).
Genomic context (GRCh38, chr21:14,966,521, plus strand): 5'-TCCATTTGATGACCAGAGAGTGTTGAGAGAGATTGATGGGAGACCCTGCTTTGCTTGATG[T>C]AAGTAAAGGTGGAGTGCTCACTGGAGTAGTCCGATTTGTACTGGGGCTTTCTATCACAGA-3'
Protein context (NP_003480.2, residues 548-568): TTPVSTPPLL[Thr558Ala]SSKAGSPINL